The following is an entry in ClinVar:

NM_172107.4(KCNQ2):c.587C>G (p.Ala196Gly)

Gene: KCNQ2 (potassium voltage-gated channel subfamily Q member 2; minus strand). Cytogenetic location: 20q13.33.
Variant type: single nucleotide variant.
Coding change: c.587C>G on transcript NM_172107.4 (MANE Select); coding-DNA position 587, C replaced by G.
Protein change: p.Ala196Gly; replaces alanine 196 with glycine.
Molecular consequence: missense variant.
Genome position (GRCh38, 1-based): chr20:63,444,762, G>C on the plus strand (C>G on the coding strand, the complement: KCNQ2 is on the minus strand). VCF-style: chr20-63444762-G-C. GRCh37 (hg19) VCF-style: chr20-62076115-G-C.
Other names: c.587C>G, p.Ala196Gly (NM_001382235.1, NM_001439003.1, NM_001439004.1 and 4 more transcripts); short protein forms A196G.
Identifiers: ClinVar variation 4278615 (VCV004278615.1).

ClinVar aggregate classification (germline): Likely pathogenic (1 of 4 stars; one submission).

gnomAD v4.1: 1 of 1,607,500 alleles (0.000062%); highest among the groups gnomAD compares: African/African-American, 0.0013%; no homozygotes.

Submission:

GeneDx
Classification: Likely pathogenic. Last evaluated: 2025-04-01. Review status: criteria provided, single submitter. Criteria: GeneDx Variant Classification Process June 2021. Collection method: clinical testing. Allele origin: germline. Affected: yes.
Comment: In silico analysis supports that this missense variant has a deleterious effect on protein structure/function; Has not been previously published as pathogenic or benign to our knowledge; This variant is associated with the following publications: (PMID: 17475800, 23360469)